The following is an entry in ClinVar:

ClinVar aggregate classification (germline): Uncertain significance. Review status: criteria provided, multiple submitters, no conflicts (2 of 4 stars). 3 submissions from 3 submitters: Uncertain significance (2). 1 of the submissions does not count toward it. Last evaluated 2025-01-01.

Conditions:
Inborn genetic diseases. Identifiers: MedGen C0950123, MeSH D030342.
Dyskeratosis congenita. Identifiers: Orphanet 1775, MedGen C0265965, MONDO:0015780.
Dyskeratosis congenita, autosomal recessive 5 (DKCB5). Identifiers: MedGen C3554656, MONDO:0014076, OMIM 615190.
Pulmonary fibrosis and/or bone marrow failure, Telomere-related, 3. Also called: PULMONARY FIBROSIS AND/OR BONE MARROW FAILURE SYNDROME, TELOMERE-RELATED, 3. Identifiers: Orphanet 2032, MedGen C4225346, MONDO:0014613, OMIM 616373.

Submissions (3):

Ambry Genetics
Classification: Uncertain significance for Inborn genetic diseases. Last evaluated: 2025-01-01. Review status: criteria provided, single submitter. Criteria: Ambry Variant Classification Scheme 2023. Collection method: clinical testing. Allele origin: germline.
Comment: The p.H1210R variant (also known as c.3629A>G), located in coding exon 33 of the RTEL1 gene, results from an A to G substitution at nucleotide position 3629. The histidine at codon 1210 is replaced by arginine, an amino acid with highly similar properties. This amino acid position is conserved. In addition, this alteration is predicted to be tolerated by in silico analysis. Based on the available evidence, the clinical significance of this variant remains unclear.

Labcorp Genetics (formerly Invitae), Labcorp
Classification: Uncertain significance for Dyskeratosis congenita, autosomal recessive 5; Pulmonary fibrosis and/or bone marrow failure, Telomere-related, 3. Last evaluated: 2021-09-01. Review status: criteria provided, single submitter. Criteria: Invitae Variant Classification Sherloc (09022015). Collection method: clinical testing. Allele origin: germline.
Comment: This sequence change replaces histidine with arginine at codon 1210 of the RTEL1 protein (p.His1210Arg). The histidine residue is weakly conserved and there is a small physicochemical difference between histidine and arginine. This variant is not present in population databases (ExAC no frequency). This variant has not been reported in the literature in individuals affected with RTEL1-related conditions. Algorithms developed to predict the effect of missense changes on protein structure and function output the following: SIFT: "Tolerated"; PolyPhen-2: "Benign"; Align-GVGD: "Class C0". The arginine amino acid residue is found in multiple mammalian species, which suggests that this missense change does not adversely affect protein function. In summary, the available evidence is currently insufficient to determine the role of this variant in disease. Therefore, it has been classified as a Variant of Uncertain Significance.

Natera, Inc.
Classification: Uncertain significance for Dyskeratosis congenita. Last evaluated: 2020-07-13. Review status: no assertion criteria provided. Collection method: clinical testing. Allele origin: germline. Not counted in ClinVar's aggregate classification.

NM_001283009.2(RTEL1):c.3629A>G (p.His1210Arg)

Genes: RTEL1-TNFRSF6B (RTEL1-TNFRSF6B readthrough (NMD candidate); plus strand), RTEL1 (regulator of telomere elongation helicase 1; plus strand). Cytogenetic location: 20q13.33.
Variant type: single nucleotide variant.
Coding change: c.3629A>G on transcript NM_001283009.2 (MANE Select); coding-DNA position 3629, A replaced by G.
Protein change: p.His1210Arg; replaces histidine 1210 with arginine.
Molecular consequence: missense variant. On other transcripts: non-coding transcript variant (1).
Genome position (GRCh38, 1-based): chr20:63,695,457, A>G. VCF-style: chr20-63695457-A-G. GRCh37 (hg19) VCF-style: chr20-62326810-A-G.
Other names: c.2960A>G, p.His987Arg (NM_001283010.1); c.3629A>G, p.His1210Arg (NM_016434.4); c.3701A>G, p.His1234Arg (NM_032957.5); short protein forms H987R, H1210R, H1234R.
Identifiers: ClinVar variation 653449 (VCV000653449.8), dbSNP rs1601199974, ClinGen allele CA409686389.